The following is an entry in ClinVar:

NM_015443.4(KANSL1):c.2900C>T (p.Pro967Leu)

Gene: KANSL1 (KAT8 regulatory NSL complex subunit 1). Cytogenetic location: 17q21.31.
Variant type: single nucleotide variant.
Coding change: c.2900C>T on transcript NM_015443.4 (MANE Select); coding-DNA position 2900, C replaced by T.
Protein change: p.Pro967Leu; replaces proline 967 with leucine.
Molecular consequence: missense variant.
Genome position (GRCh38, 1-based): chr17:46,032,237, G>A on the plus strand (C>T on the coding strand, the complement: KANSL1 is on the minus strand). VCF-style: chr17-46032237-G-A. GRCh37 (hg19) VCF-style: chr17-44109603-G-A.
Other names: c.2897C>T, p.Pro966Leu (NM_001193465.2); c.2900C>T, p.Pro967Leu (NM_001193466.2, NM_001379198.1); short protein forms P967L, P966L.
Identifiers: ClinVar variation 1522043 (VCV001522043.8), dbSNP rs770177501, ClinGen allele CA399987212.

ClinVar aggregate classification (germline): Uncertain significance (1 of 4 stars; one submission).

Conditions:
Koolen-de Vries syndrome (KDVS). Identifiers: Orphanet 96169, MedGen C1864871, MONDO:0012496, OMIM 610443.

gnomAD v4.1: 1 of 1,573,830 alleles (0.000064%); highest among the groups gnomAD compares: Non-Finnish European, 0.000086%; no homozygotes.

Submission:

Labcorp Genetics (formerly Invitae), Labcorp
Classification: Uncertain significance for Koolen-de Vries syndrome. Last evaluated: 2022-02-05. Review status: criteria provided, single submitter. Criteria: Invitae Variant Classification Sherloc (09022015). Collection method: clinical testing. Allele origin: germline.
Comment: This variant has not been reported in the literature in individuals affected with KANSL1-related conditions. This sequence change replaces proline, which is neutral and non-polar, with leucine, which is neutral and non-polar, at codon 967 of the KANSL1 protein (p.Pro967Leu). This variant is not present in population databases (gnomAD no frequency). Algorithms developed to predict the effect of missense changes on protein structure and function are either unavailable or do not agree on the potential impact of this missense change (SIFT: "Deleterious"; PolyPhen-2: "Possibly Damaging"; Align-GVGD: "Class C0"). In summary, the available evidence is currently insufficient to determine the role of this variant in disease. Therefore, it has been classified as a Variant of Uncertain Significance.